The following is an entry in ClinVar:

NM_001042492.3(NF1):c.4349C>T (p.Ala1450Val)

Gene: NF1 (neurofibromin 1; plus strand). Cytogenetic location: 17q11.2.
Variant type: single nucleotide variant.
Coding change: c.4349C>T on transcript NM_001042492.3 (MANE Select); coding-DNA position 4349, C replaced by T.
Protein change: p.Ala1450Val; replaces alanine 1450 with valine.
Molecular consequence: missense variant.
Genome position (GRCh38, 1-based): chr17:31,259,048, C>T. VCF-style: chr17-31259048-C-T. GRCh37 (hg19) VCF-style: chr17-29586066-C-T.
Other names: c.4286C>T, p.Ala1429Val (NM_000267.4); short protein forms A1429V, A1450V.
Identifiers: ClinVar variation 855377 (VCV000855377.8), dbSNP rs2067636212, ClinGen allele CA398998735.

ClinVar aggregate classification (germline): Uncertain significance. Review status: criteria provided, multiple submitters, no conflicts (2 of 4 stars). 3 submissions from 3 submitters: Uncertain significance (3). Last evaluated 2026-06-08.

Conditions:
Neurofibromatosis, type 1 (NF1). Also called: NEUROFIBROMATOSIS, TYPE I, SOMATIC; VON RECKLINGHAUSEN DISEASE; Peripheral type neurofibromatosis; Neurofibromatosis, type I. Identifiers: Orphanet 636, MedGen C0027831, MONDO:0018975, OMIM 162200. Disease mechanism: loss of function.
Cardiovascular phenotype. Identifiers: MedGen CN230736.
Hereditary cancer-predisposing syndrome. Also called: Neoplastic Syndromes, Hereditary; Hereditary neoplastic syndrome; Tumor predisposition; Hereditary Cancer Syndrome. Identifiers: Orphanet 140162, MedGen C0027672, MeSH D009386, MONDO:0015356.

Submissions (3):

GeneDx
Classification: Uncertain significance. Last evaluated: 2026-06-08. Review status: criteria provided, single submitter. Criteria: GeneDx Variant Classification Process June 2021. Collection method: clinical testing. Allele origin: germline.
Comment: Observed in an individual with a clinical diagnosis of neurofibromatosis type 1 (PMID: 25074460); Not observed at significant frequency in large population cohorts (gnomAD); In silico analysis supports that this missense variant has a deleterious effect on protein structure/function; This variant is associated with the following publications: (PMID: 22807134, 36273432, 25074460)

Ambry Genetics
Classification: Uncertain significance for Cardiovascular phenotype; Hereditary cancer-predisposing syndrome. Last evaluated: 2025-10-31. Review status: criteria provided, single submitter. Criteria: Ambry Variant Classification Scheme 2023. Collection method: clinical testing. Allele origin: germline.
Comment: The p.A1429V variant (also known as c.4286C>T), located in coding exon 32 of the NF1 gene, results from a C to T substitution at nucleotide position 4286. The alanine at codon 1429 is replaced by valine, an amino acid with similar properties. This variant was reported in individual(s) with features consistent with neurofibromatosis type 1 (Pasmant E et al. Eur J Hum Genet, 2015 May;23:596-601). This amino acid position is highly conserved in available vertebrate species. In addition, this alteration is predicted to be deleterious by in silico analysis. Based on the available evidence, the clinical significance of this variant remains unclear.

Labcorp Genetics (formerly Invitae), Labcorp
Classification: Uncertain significance for Neurofibromatosis, type 1. Last evaluated: 2019-10-01. Review status: criteria provided, single submitter. Criteria: Invitae Variant Classification Sherloc (09022015). Collection method: clinical testing. Allele origin: germline.
Comment: This sequence change replaces alanine with valine at codon 1429 of the NF1 protein (p.Ala1429Val). The alanine residue is moderately conserved and there is a small physicochemical difference between alanine and valine. In summary, the available evidence is currently insufficient to determine the role of this variant in disease. Therefore, it has been classified as a Variant of Uncertain Significance. Algorithms developed to predict the effect of missense changes on protein structure and function (SIFT, PolyPhen-2, Align-GVGD) all suggest that this variant is likely to be tolerated, but these predictions have not been confirmed by published functional studies and their clinical significance is uncertain. This variant has been reported in an individual affected with neurofibromatosis type 1¬†(PMID:¬†25074460). This variant is not present in population databases (ExAC no frequency).

Literature cited by the submitters: PubMed 25074460 (cited by Ambry Genetics).